The following is an entry in ClinVar:

ClinVar aggregate classification (germline): Conflicting classifications of pathogenicity. Review status: criteria provided, conflicting classifications (1 of 4 stars). 3 submissions from 3 submitters: Likely pathogenic (1); Uncertain significance (2). Last evaluated 2025-10-24.

Conditions:
Inborn genetic diseases. Identifiers: MedGen C0950123, MeSH D030342.
DRAM2-related disorder. Also called: DRAM2-related condition.

Allele frequency attached by ClinVar (database versions not stated): gnomAD exomes below 0.00001 and 0.00001; ExAC 0.00001; gnomAD 0.00002; TOPMed 0.00002; ESP Exome Variant Server 0.00008.
gnomAD v4.1: 7 of 1,613,966 alleles (0.00043%); highest among the groups gnomAD compares: Non-Finnish European, 0.00059%; no homozygotes.

Submissions (3):

Ambry Genetics
Classification: Uncertain significance for Inborn genetic diseases. Last evaluated: 2025-10-24. Review status: criteria provided, single submitter. Criteria: Ambry Variant Classification Scheme 2023. Collection method: clinical testing. Allele origin: germline.

Labcorp Genetics (formerly Invitae), Labcorp
Classification: Uncertain significance. Last evaluated: 2025-01-20. Review status: criteria provided, single submitter. Criteria: Invitae Variant Classification Sherloc (09022015). Collection method: clinical testing. Allele origin: germline.
Comment: This sequence change replaces alanine, which is neutral and non-polar, with valine, which is neutral and non-polar, at codon 30 of the DRAM2 protein (p.Ala30Val). This variant is present in population databases (rs147979228, gnomAD 0.0009%). This variant has not been reported in the literature in individuals affected with DRAM2-related conditions. ClinVar contains an entry for this variant (Variation ID: 866523). Invitae Evidence Modeling of protein sequence and biophysical properties (such as structural, functional, and spatial information, amino acid conservation, physicochemical variation, residue mobility, and thermodynamic stability) indicates that this missense variant is not expected to disrupt DRAM2 protein function with a negative predictive value of 80%. In summary, the available evidence is currently insufficient to determine the role of this variant in disease. Therefore, it has been classified as a Variant of Uncertain Significance.

Blueprint Genetics
Classification: Likely pathogenic for DRAM2-related disorders. Last evaluated: 2023-12-21. Review status: criteria provided, single submitter. Criteria: ACMG Guidelines, 2015. Collection method: clinical testing. Allele origin: germline. Affected: yes. Observed: 2 variant alleles.

NM_001349884.2(DRAM2):c.89C>T (p.Ala30Val)

Gene: DRAM2 (DNA damage regulated autophagy modulator 2; minus strand). Cytogenetic location: 1p13.3.
Variant type: single nucleotide variant.
Coding change: c.89C>T on transcript NM_001349884.2 (MANE Select); coding-DNA position 89, C replaced by T.
Protein change: p.Ala30Val; replaces alanine 30 with valine.
Molecular consequence: missense variant. On other transcripts: 5 prime UTR variant (8), non-coding transcript variant (8).
Genome position (GRCh38, 1-based): chr1:111,131,466, G>A on the plus strand (C>T on the coding strand, the complement: DRAM2 is on the minus strand). VCF-style: chr1-111131466-G-A. GRCh37 (hg19) VCF-style: chr1-111674088-G-A.
Other names: c.89C>T, p.Ala30Val (NM_001349881.2, NM_001349882.2, NM_001349885.2 and 1 more transcripts); c.-70C>T (NM_001349886.2, NM_001349887.2, NM_001349888.2); c.-162C>T (NM_001349889.2, NM_001349890.2, NM_001349892.2 and 1 more transcripts); c.-330C>T (NM_001349891.2); short protein forms A30V.
Identifiers: ClinVar variation 866523 (VCV000866523.11), dbSNP rs147979228, ClinGen allele CA1001959.